The following is an entry in ClinVar:

NM_001330588.2(TPP2):c.1876C>T (p.Leu626Phe)

Gene: TPP2 (tripeptidyl peptidase 2; plus strand). Cytogenetic location: 13q33.1.
Variant type: single nucleotide variant.
Coding change: c.1876C>T on transcript NM_001330588.2 (MANE Select); coding-DNA position 1876, C replaced by T.
Protein change: p.Leu626Phe; replaces leucine 626 with phenylalanine.
Molecular consequence: missense variant. On other transcripts: non-coding transcript variant (1).
Genome position (GRCh38, 1-based): chr13:102,638,278, C>T. VCF-style: chr13-102638278-C-T. GRCh37 (hg19) VCF-style: chr13-103290628-C-T.
Other names: c.1876C>T, p.Leu626Phe (NM_001367947.1, NM_003291.4); short protein forms L626F.
Identifiers: ClinVar variation 1409055 (VCV001409055.7), dbSNP rs369225571, ClinGen allele CA7037858.

ClinVar aggregate classification (germline): Uncertain significance (1 of 4 stars; one submission).

Conditions:
Evans syndrome, immunodeficiency, and premature immunosenescence associated with tripeptidyl-peptidase II deficiency. Identifiers: MedGen CN231723. Disease mechanism: loss of function.

Allele frequency attached by ClinVar (database versions not stated): gnomAD exomes below 0.00001 and 0.00002; ExAC 0.00002; TOPMed 0.00004; gnomAD 0.00005 and 0.00006; ESP Exome Variant Server 0.00008.
gnomAD v4.1: 11 of 1,612,912 alleles (0.00068%); highest among the groups gnomAD compares: African/African-American, 0.015%; no homozygotes.

Submission:

Labcorp Genetics (formerly Invitae), Labcorp
Classification: Uncertain significance for Evans syndrome, immunodeficiency, and premature immunosenescence associated with tripeptidyl-peptidase II deficiency. Last evaluated: 2021-06-19. Review status: criteria provided, single submitter. Criteria: Invitae Variant Classification Sherloc (09022015). Collection method: clinical testing. Allele origin: germline.
Comment: In summary, the available evidence is currently insufficient to determine the role of this variant in disease. Therefore, it has been classified as a Variant of Uncertain Significance. Algorithms developed to predict the effect of missense changes on protein structure and function are either unavailable or do not agree on the potential impact of this missense change (SIFT: "Deleterious"; PolyPhen-2: "Possibly Damaging"; Align-GVGD: "Class C0"). This variant has not been reported in the literature in individuals with TPP2-related conditions. This variant is present in population databases (rs369225571, ExAC 0.02%). This sequence change replaces leucine with phenylalanine at codon 626 of the TPP2 protein (p.Leu626Phe). The leucine residue is highly conserved and there is a small physicochemical difference between leucine and phenylalanine.